The following is an entry in ClinVar:

NM_001166108.2(PALLD):c.1965-12930C>T

Gene: PALLD (palladin, cytoskeletal associated protein; plus strand). Cytogenetic location: 4q32.3.
Variant type: single nucleotide variant.
Coding change: c.1965-12930C>T on transcript NM_001166108.2 (MANE Select); 12930 bases into the intron before coding-DNA position 1965, C replaced by T.
Molecular consequence: intron variant. On other transcripts: missense variant (1).
Genome position (GRCh38, 1-based): chr4:168,877,992, C>T. VCF-style: chr4-168877992-C-T. GRCh37 (hg19) VCF-style: chr4-169799143-C-T.
Other names: c.101C>T, p.Pro34Leu (NM_001166110.2); c.1965-12930C>T (NM_016081.4); c.819-12930C>T (NM_001166109.2); c.-157-12930C>T (NM_001367570.1, NM_001367568.1, NM_001367567.1 and 1 more transcripts); short protein forms P34L.
Identifiers: ClinVar variation 3413680 (VCV003413680.3).
Genomic context (GRCh38, chr4:168,877,992, plus strand): 5'-CCTCCGGCTCCTTCAACTACGCGCGCCCCAAGCAGTTCATCGCCGCGCAGAACCTCGGGC[C>T]CGCGTCGGGCCACGGCACGCCGGCCTCCAGCCCCAGCTCGTCCAGCCTCCCGTCGCCCAT-3'

ClinVar aggregate classification (germline): Uncertain significance. Review status: criteria provided, multiple submitters, no conflicts (2 of 4 stars). 2 submissions from 2 submitters: Uncertain significance (2). Last evaluated 2025-11-24.

Conditions:
Pancreatic adenocarcinoma. Identifiers: MedGen C0281361, MONDO:0006047, HP:0006725.

gnomAD v4.1: 15 of 1,499,898 alleles (0.001%); highest among the groups gnomAD compares: Non-Finnish European, 0.0012%; no homozygotes.

Submissions (2):

Labcorp Genetics (formerly Invitae), Labcorp
Classification: Uncertain significance for Pancreatic adenocarcinoma. Last evaluated: 2025-11-24. Review status: criteria provided, single submitter. Criteria: Invitae Variant Classification Sherloc (09022015). Collection method: clinical testing. Allele origin: germline.
Comment: This sequence change replaces proline, which is neutral and non-polar, with leucine, which is neutral and non-polar, at codon 34 of the PALLD protein (p.Pro34Leu). This variant is present in population databases (no rsID available, gnomAD 0.002%). This variant has not been reported in the literature in individuals affected with PALLD-related conditions. ClinVar contains an entry for this variant (Variation ID: 3413680). An algorithm developed to predict the effect of missense changes on protein structure and function (PolyPhen-2) suggests that this variant is likely to be tolerated. In summary, the available evidence is currently insufficient to determine the role of this variant in disease. Therefore, it has been classified as a Variant of Uncertain Significance.

Ambry Genetics
Classification: Uncertain significance. Last evaluated: 2024-11-22. Review status: criteria provided, single submitter. Criteria: Ambry Variant Classification Scheme 2023. Collection method: clinical testing. Allele origin: germline.
Comment: The p.P34L variant (also known as c.101C>T), located in coding exon 1 of the PALLD gene, results from a C to T substitution at nucleotide position 101. The proline at codon 34 is replaced by leucine, an amino acid with similar properties. This amino acid position is conserved. In addition, this alteration is predicted to be tolerated by in silico analysis. Based on the available evidence, the clinical significance of this variant remains unclear.